The following is an entry in ClinVar:

NM_004667.6(HERC2):c.6379A>G (p.Arg2127Gly)

Gene: HERC2 (HECT and RLD domain containing E3 ubiquitin protein ligase 2; minus strand). Cytogenetic location: 15q13.1.
Variant type: single nucleotide variant.
Coding change: c.6379A>G on transcript NM_004667.6 (MANE Select); coding-DNA position 6379, A replaced by G.
Protein change: p.Arg2127Gly; replaces arginine 2127 with glycine.
Molecular consequence: missense variant.
Genome position (GRCh38, 1-based): chr15:28,214,252, T>C on the plus strand (A>G on the coding strand, the complement: HERC2 is on the minus strand). VCF-style: chr15-28214252-T-C. GRCh37 (hg19) VCF-style: chr15-28459398-T-C.
Other names: c.6379A>G (NM_004667.5, NM_004667.4); short protein forms R2127G.
Identifiers: ClinVar variation 807201 (VCV000807201.45), dbSNP rs771392120, ClinGen allele CA7442057.
Genomic context (GRCh38, chr15:28,214,252, plus strand): 5'-CCACCTCCTCCGCCAGTGTGCTGCTGTGGGTGGCAGTCAGCGAGGCCTGCGGGCGCACCC[T>C]GCGCCGCCTCAGCGTGGACTCTGAGGAGGAAACCAGGGGAGAAGCTGCTGCACCGCTCTT-3'
Protein context (NP_004658.3, residues 2117-2137): LLRESTLRRR[Arg2127Gly]VRPQASLTAT

ClinVar aggregate classification (germline): Uncertain significance. Review status: criteria provided, multiple submitters, no conflicts (2 of 4 stars). 3 submissions from 3 submitters: Uncertain significance (3). Last evaluated 2025-04-29.

Conditions:
Inborn genetic diseases. Identifiers: MedGen C0950123, MeSH D030342.

Allele frequency attached by ClinVar (database versions not stated): TOPMed below 0.00001; ExAC 0.00002; gnomAD exomes 0.00002.
gnomAD v4.1: 13 of 1,611,552 alleles (0.00081%); highest among the groups gnomAD compares: Middle Eastern, 0.068%; no homozygotes.

Submissions (3):

GeneDx
Classification: Uncertain significance. Last evaluated: 2025-04-29. Review status: criteria provided, single submitter. Criteria: GeneDx Variant Classification Process June 2021. Collection method: clinical testing. Allele origin: germline. Affected: yes.
Comment: In silico analysis indicates that this missense variant does not alter protein structure/function; Has not been previously published as pathogenic or benign to our knowledge

Ambry Genetics
Classification: Uncertain significance for Inborn genetic diseases. Last evaluated: 2020-11-20. Review status: criteria provided, single submitter. Criteria: Ambry Variant Classification Scheme 2023. Collection method: clinical testing. Allele origin: germline.

CeGaT Center for Human Genetics Tuebingen
Classification: Uncertain significance. Last evaluated: 2017-08-01. Review status: criteria provided, single submitter. Criteria: CeGaT Center For Human Genetics Tuebingen Variant Classification Criteria Version 2. Collection method: clinical testing. Allele origin: germline. Affected: yes. Observed: 1 variant allele.